The following is an entry in ClinVar:

NM_022765.4(MICAL1):c.1202C>T (p.Pro401Leu)

Gene: MICAL1 (microtubule associated monooxygenase, calponin and LIM domain containing 1; minus strand). Cytogenetic location: 6q21.
Variant type: single nucleotide variant.
Coding change: c.1202C>T on transcript NM_022765.4 (MANE Select); coding-DNA position 1202, C replaced by T.
Protein change: p.Pro401Leu; replaces proline 401 with leucine.
Molecular consequence: missense variant.
Genome position (GRCh38, 1-based): chr6:109,450,075, G>A on the plus strand (C>T on the coding strand, the complement: MICAL1 is on the minus strand). VCF-style: chr6-109450075-G-A. GRCh37 (hg19) VCF-style: chr6-109771278-G-A.
Other names: c.944C>T, p.Pro315Leu (NM_001159291.2); c.1259C>T, p.Pro420Leu (NM_001286613.2); short protein forms P420L, P401L, P315L.
Identifiers: ClinVar variation 2026025 (VCV002026025.4), dbSNP rs555487713, ClinGen allele CA3953468.

ClinVar aggregate classification (germline): Uncertain significance (1 of 4 stars; one submission).

Allele frequency attached by ClinVar (database versions not stated): gnomAD 0.00001; gnomAD exomes 0.00001; ExAC 0.00002; 1000 Genomes Project 30x 0.00016; 1000 Genomes Project 0.00020.
gnomAD v4.1: 9 of 1,613,688 alleles (0.00056%); highest among the groups gnomAD compares: South Asian, 0.0088%; no homozygotes.

Submission:

Labcorp Genetics (formerly Invitae), Labcorp
Classification: Uncertain significance. Last evaluated: 2023-10-03. Review status: criteria provided, single submitter. Criteria: Invitae Variant Classification Sherloc (09022015). Collection method: clinical testing. Allele origin: germline.
Comment: This sequence change replaces proline, which is neutral and non-polar, with leucine, which is neutral and non-polar, at codon 420 of the MICAL1 protein (p.Pro420Leu). This variant is present in population databases (rs555487713, gnomAD 0.01%). This variant has not been reported in the literature in individuals affected with MICAL1-related conditions. ClinVar contains an entry for this variant (Variation ID: 2026025). An algorithm developed to predict the effect of missense changes on protein structure and function (PolyPhen-2) suggests that this variant is likely to be disruptive. In summary, the available evidence is currently insufficient to determine the role of this variant in disease. Therefore, it has been classified as a Variant of Uncertain Significance.